The following is an entry in ClinVar:

ClinVar aggregate classification (germline): Uncertain significance (1 of 4 stars; one submission).

gnomAD v4.1: 7 of 1,613,248 alleles (0.00043%); highest among the groups gnomAD compares: Non-Finnish European, 0.00059%; no homozygotes.

Submission:

GeneDx
Classification: Uncertain significance. Last evaluated: 2024-02-28. Review status: criteria provided, single submitter. Criteria: GeneDx Variant Classification Process June 2021. Collection method: clinical testing. Allele origin: germline. Affected: yes.
Comment: In silico analysis supports that this missense variant has a deleterious effect on protein structure/function; Has not been previously published as pathogenic or benign to our knowledge; Occurs in the triple helical domain at the Y position in the canonical Gly-X-Y repeat; although this variant may have an effect on normal protein folding and function, missense substitution at the Y position is not a common mechanism of disease (HGMD)

NM_001844.5(COL2A1):c.617T>C (p.Met206Thr)

Gene: COL2A1 (collagen type II alpha 1 chain; minus strand). Cytogenetic location: 12q13.11.
Variant type: single nucleotide variant.
Coding change: c.617T>C on transcript NM_001844.5 (MANE Select); coding-DNA position 617, T replaced by C.
Protein change: p.Met206Thr; replaces methionine 206 with threonine.
Molecular consequence: missense variant.
Genome position (GRCh38, 1-based): chr12:47,995,912, A>G on the plus strand (T>C on the coding strand, the complement: COL2A1 is on the minus strand). VCF-style: chr12-47995912-A-G. GRCh37 (hg19) VCF-style: chr12-48389695-A-G.
Other names: c.410T>C, p.Met137Thr (NM_033150.3); short protein forms M137T, M206T.
Identifiers: ClinVar variation 3369859 (VCV003369859.1).